The following is an entry in ClinVar:

NM_004525.3(LRP2):c.9515G>T (p.Gly3172Val)

Gene: LRP2 (LDL receptor related protein 2; minus strand). Cytogenetic location: 2q31.1.
Variant type: single nucleotide variant.
Coding change: c.9515G>T on transcript NM_004525.3 (MANE Select); coding-DNA position 9515, G replaced by T.
Protein change: p.Gly3172Val; replaces glycine 3172 with valine.
Molecular consequence: missense variant.
Genome position (GRCh38, 1-based): chr2:169,185,833, C>A on the plus strand (G>T on the coding strand, the complement: LRP2 is on the minus strand). VCF-style: chr2-169185833-C-A. GRCh37 (hg19) VCF-style: chr2-170042343-C-A.
Other names: short protein forms G3172V.
Identifiers: ClinVar variation 1502937 (VCV001502937.6), dbSNP rs2105301972, ClinGen allele CA349154307.

ClinVar aggregate classification (germline): Uncertain significance (1 of 4 stars; one submission).

Submission:

Labcorp Genetics (formerly Invitae), Labcorp
Classification: Uncertain significance. Last evaluated: 2022-06-27. Review status: criteria provided, single submitter. Criteria: Invitae Variant Classification Sherloc (09022015). Collection method: clinical testing. Allele origin: germline.
Comment: In summary, the available evidence is currently insufficient to determine the role of this variant in disease. Therefore, it has been classified as a Variant of Uncertain Significance. Advanced modeling of protein sequence and biophysical properties (such as structural, functional, and spatial information, amino acid conservation, physicochemical variation, residue mobility, and thermodynamic stability) performed at Invitae indicates that this missense variant is expected to disrupt LRP2 protein function. This variant has not been reported in the literature in individuals affected with LRP2-related conditions. This variant is not present in population databases (gnomAD no frequency). This sequence change replaces glycine, which is neutral and non-polar, with valine, which is neutral and non-polar, at codon 3172 of the LRP2 protein (p.Gly3172Val).